The following is an entry in ClinVar:

ClinVar aggregate classification (germline): Uncertain significance (1 of 4 stars; one submission).

Submission:

Women's Health and Genetics/Laboratory Corporation of America, LabCorp
Classification: Uncertain significance. Last evaluated: 2024-09-10. Review status: criteria provided, single submitter. Criteria: LabCorp Variant Classification Summary - May 2015. Collection method: clinical testing. Allele origin: germline.
Comment: Variant summary: TTN c.46751A>G (p.Glu15584Gly) results in a non-conservative amino acid change located in the A-band of the encoded protein sequence. Two of three in-silico tools predict a damaging effect of the variant on protein function. The frequency data for this variant in gnomAD is considered unreliable, as metrics indicate poor data quality at this position. To our knowledge, no occurrence of c.46751A>G in individuals affected with Limb-Girdle Muscular Dystrophy, Type 2J and no experimental evidence demonstrating its impact on protein function have been reported. No submitters have cited clinical-significance assessments for this variant to ClinVar. Based on the evidence outlined above, the variant was classified as uncertain significance.

NM_001267550.2(TTN):c.54455A>G (p.Glu18152Gly)

Genes: TTN (titin; minus strand), TTN-AS1 (TTN antisense RNA 1; plus strand). Cytogenetic location: 2q31.2.
Variant type: single nucleotide variant.
Coding change: c.54455A>G on transcript NM_001267550.2 (MANE Select); coding-DNA position 54455, A replaced by G.
Protein change: p.Glu18152Gly; replaces glutamic acid 18152 with glycine.
Molecular consequence: missense variant.
Genome position (GRCh38, 1-based): chr2:178,604,232, T>C on the plus strand (A>G on the coding strand, the complement: TTN is on the minus strand). VCF-style: chr2-178604232-T-C. GRCh37 (hg19) VCF-style: chr2-179468959-T-C.
Other names: c.49532A>G, p.Glu16511Gly (NM_001256850.1); c.27260A>G, p.Glu9087Gly (NM_003319.4); c.46751A>G, p.Glu15584Gly (NM_133378.4); c.27635A>G, p.Glu9212Gly (NM_133432.3); c.27836A>G, p.Glu9279Gly (NM_133437.4); short protein forms E15584G, E16511G, E18152G, E9087G, E9212G, E9279G.
Identifiers: ClinVar variation 3374933 (VCV003374933.1).
Genomic context (GRCh38, chr2:178,604,232, plus strand): 5'-TTTCCTGGAGGTCCAGGAAGGCGATAAGGATCTTGAATGACTACTTTATCTGATTTGCAC[T>C]CATCACTGATTCCATATTTATTCACTGCCCTGACTCGGAACTCATACTGACCATTGGGGA-3'
Protein context (NP_001254479.2, residues 18142-18162): RAVNKYGISD[Glu18152Gly]CKSDKVVIQD